The following is an entry in ClinVar:

ClinVar aggregate classification (germline): Conflicting classifications of pathogenicity. Review status: criteria provided, conflicting classifications (1 of 4 stars). 3 submissions from 3 submitters: Uncertain significance (2); Likely benign (1). Last evaluated 2024-06-24.

Conditions:
Inborn genetic diseases. Identifiers: MedGen C0950123, MeSH D030342.

Allele frequency attached by ClinVar (database versions not stated): gnomAD exomes 0.00003; ExAC 0.00009; gnomAD 0.00021 and 0.00024; TOPMed 0.00037.
gnomAD v4.1: 82 of 1,524,786 alleles (0.0054%); highest among the groups gnomAD compares: African/African-American, 0.093%; no homozygotes.

Submissions (3):

Blueprint Genetics
Classification: Likely benign. Last evaluated: 2024-06-24. Review status: criteria provided, single submitter. Criteria: ACMG Guidelines, 2015. Collection method: clinical testing. Allele origin: germline.

Labcorp Genetics (formerly Invitae), Labcorp
Classification: Uncertain significance. Last evaluated: 2022-10-25. Review status: criteria provided, single submitter. Criteria: Invitae Variant Classification Sherloc (09022015). Collection method: clinical testing. Allele origin: germline.
Comment: This sequence change replaces proline, which is neutral and non-polar, with alanine, which is neutral and non-polar, at codon 26 of the P3H2 protein (p.Pro26Ala). This variant is present in population databases (rs756708326, gnomAD 0.09%). This variant has not been reported in the literature in individuals affected with P3H2-related conditions. ClinVar contains an entry for this variant (Variation ID: 950296). Algorithms developed to predict the effect of missense changes on protein structure and function (SIFT, PolyPhen-2, Align-GVGD) all suggest that this variant is likely to be tolerated. In summary, the available evidence is currently insufficient to determine the role of this variant in disease. Therefore, it has been classified as a Variant of Uncertain Significance.

Ambry Genetics
Classification: Uncertain significance for Inborn genetic diseases. Last evaluated: 2022-04-25. Review status: criteria provided, single submitter. Criteria: Ambry Variant Classification Scheme 2023. Collection method: clinical testing. Allele origin: germline.

NM_018192.4(P3H2):c.76C>G (p.Pro26Ala)

Gene: P3H2 (prolyl 3-hydroxylase 2; minus strand). Cytogenetic location: 3q28.
Variant type: single nucleotide variant.
Coding change: c.76C>G on transcript NM_018192.4 (MANE Select); coding-DNA position 76, C replaced by G.
Protein change: p.Pro26Ala; replaces proline 26 with alanine.
Molecular consequence: missense variant. On other transcripts: intron variant (1).
Genome position (GRCh38, 1-based): chr3:190,120,656, G>C on the plus strand (C>G on the coding strand, the complement: P3H2 is on the minus strand). VCF-style: chr3-190120656-G-C. GRCh37 (hg19) VCF-style: chr3-189838445-G-C.
Other names: c.-64+1547C>G (NM_001134418.2); short protein forms P26A.
Identifiers: ClinVar variation 950296 (VCV000950296.5), dbSNP rs756708326, ClinGen allele CA2753443.
Genomic context (GRCh38, chr3:190,120,656, plus strand): 5'-GGTCGAAGGGCTGCAGAGGCCCGGGCTCCAGCTCCAGCTCCCGGCGTGGGCTGTCCGGGG[G>C]GCCGCCCCACAGTGGCGGCGGCAGTAGCAGCGGCAGCAGCAGCAGCAGCGGCGGCGCCCA-3'
Protein context (NP_060662.2, residues 16-36): LLLPPPLWGG[Pro26Ala]PDSPRRELEL